The following is an entry in ClinVar:

NM_000330.4(RS1):c.61G>T (p.Gly21Ter)

Gene: RS1 (retinoschisin 1; minus strand). Cytogenetic location: Xp22.13.
Variant type: single nucleotide variant.
Coding change: c.61G>T on transcript NM_000330.4 (MANE Select); coding-DNA position 61, G replaced by T.
Protein change: p.Gly21Ter; replaces glycine 21 with a stop codon.
Molecular consequence: nonsense.
Genome position (GRCh38, 1-based): chrX:18,657,657, C>A on the plus strand (G>T on the coding strand, the complement: RS1 is on the minus strand). VCF-style: chrX-18657657-C-A. GRCh37 (hg19) VCF-style: chrX-18675777-C-A.
Other names: NM_000330.4:c.61G>T; NC_000023.10:g.18675777C>A; short protein forms G21*.
Identifiers: ClinVar variation 4279570 (VCV004279570.2).

ClinVar aggregate classification (germline): Pathogenic (3 of 4 stars; one submission).

Conditions:
Juvenile retinoschisis (RS1). Also called: X-linked retinoschisis; X-Linked Juvenile Retinoschisis. Identifiers: Orphanet 792, MedGen C3714753, MONDO:0010725, OMIM 312700.

Submissions (2):

ClinGen X-linked Inherited Retinal Disease Variant Curation Expert Panel, ClinGen
Classification: Pathogenic for Juvenile retinoschisis. Last evaluated: 2025-09-23. Review status: reviewed by expert panel. Criteria: ClinGen X LinkedIRD ACMG Specifications RS1 V1.0.0. Collection method: curation. Allele origin: germline. Inheritance: X-linked inheritance.
Comment: NM_000330.4(RS1):c.61G>T (p.Gly21Ter) is a nonsense variant that introduces a premature stop codon within exon 2 of 6, which is predicted to trigger nonsense-mediated decay (PVS1). This variant is absent from hemizygous individuals in gnomAD v4.1.0 (PM2_Supporting). At least one proband harboring this variant exhibits a phenotype including the appearance of schisis, reduced visual acuity before age 13 years, and electroretinogram showing a reduction in the b-wave amplitude, which together are specific for X-linked retinoschisis (PMID: 15932525, PP4). In summary, this variant is classified as pathogenic for X-linked retinoschisis based on the ClinGen X-linked Inherited Retinal Disease Expert Panel Specifications to the ACMG/AMP Variant Interpretation Guidelines for RS1 Version 1.0.0: PM2_supporting, PVS1, and PP4.

Dr. Peter K. Rogan Lab, Western University
No classification provided (evidence only). Condition: Thyroid cancer, nonmedullary, 1. Review status: no classification provided. Collection method: in vitro. Allele origin: not applicable. Functional consequence: retained intron. Not counted in ClinVar's aggregate classification.